The following is an entry in ClinVar:

ClinVar aggregate classification (germline): Uncertain significance (1 of 4 stars; one submission).

Conditions:
Perlman syndrome (PRLMNS). Identifiers: Orphanet 2849, MedGen C0796113, MONDO:0009965, OMIM 267000.

Allele frequency attached by ClinVar (database versions not stated): gnomAD 0.00001; TOPMed 0.00001.

Submission:

Labcorp Genetics (formerly Invitae), Labcorp
Classification: Uncertain significance for Perlman syndrome. Last evaluated: 2025-08-04. Review status: criteria provided, single submitter. Criteria: Invitae Variant Classification Sherloc (09022015). Collection method: clinical testing. Allele origin: germline.
Comment: This sequence change replaces leucine, which is neutral and non-polar, with proline, which is neutral and non-polar, at codon 462 of the DIS3L2 protein (p.Leu462Pro). This variant is not present in population databases (gnomAD no frequency). This variant has not been reported in the literature in individuals affected with DIS3L2-related conditions. ClinVar contains an entry for this variant (Variation ID: 463060). Invitae Evidence Modeling of protein sequence and biophysical properties (such as structural, functional, and spatial information, amino acid conservation, physicochemical variation, residue mobility, and thermodynamic stability) has been performed for this missense variant. However, the output from this modeling did not meet the statistical confidence thresholds required to predict the impact of this variant on DIS3L2 protein function. In summary, the available evidence is currently insufficient to determine the role of this variant in disease. Therefore, it has been classified as a Variant of Uncertain Significance.

NM_152383.5(DIS3L2):c.1385T>C (p.Leu462Pro)

Gene: DIS3L2 (DIS3 like 3'-5' exoribonuclease 2; plus strand). Cytogenetic location: 2q37.1.
Variant type: single nucleotide variant.
Coding change: c.1385T>C on transcript NM_152383.5 (MANE Select); coding-DNA position 1385, T replaced by C.
Protein change: p.Leu462Pro; replaces leucine 462 with proline.
Molecular consequence: missense variant. On other transcripts: non-coding transcript variant (2).
Genome position (GRCh38, 1-based): chr2:232,249,306, T>C. VCF-style: chr2-232249306-T-C. GRCh37 (hg19) VCF-style: chr2-233114016-T-C.
Other names: c.1385T>C, p.Leu462Pro (NM_001257281.2); short protein forms L462P.
Identifiers: ClinVar variation 463060 (VCV000463060.8), dbSNP rs1415584731, ClinGen allele CA351155495.